The following is an entry in ClinVar:

ClinVar aggregate classification (germline): Uncertain significance (1 of 4 stars; one submission).

Allele frequency attached by ClinVar (database versions not stated): gnomAD exomes below 0.00001; gnomAD 0.00001; TOPMed 0.00001.

Submission:

Labcorp Genetics (formerly Invitae), Labcorp
Classification: Uncertain significance. Last evaluated: 2021-08-24. Review status: criteria provided, single submitter. Criteria: Invitae Variant Classification Sherloc (09022015). Collection method: clinical testing. Allele origin: germline.
Comment: This sequence change replaces serine with threonine at codon 46 of the TYRP1 protein (p.Ser46Thr). The serine residue is weakly conserved and there is a small physicochemical difference between serine and threonine. This variant is not present in population databases (ExAC no frequency). This variant has not been reported in the literature in individuals affected with TYRP1-related conditions. Algorithms developed to predict the effect of missense changes on protein structure and function (SIFT, PolyPhen-2, Align-GVGD) all suggest that this variant is likely to be tolerated. In summary, the available evidence is currently insufficient to determine the role of this variant in disease. Therefore, it has been classified as a Variant of Uncertain Significance.

NM_000550.3(TYRP1):c.136T>A (p.Ser46Thr)

Gene: TYRP1 (tyrosinase related protein 1; plus strand). Cytogenetic location: 9p23.
Variant type: single nucleotide variant.
Coding change: c.136T>A on transcript NM_000550.3 (MANE Select); coding-DNA position 136, T replaced by A.
Protein change: p.Ser46Thr; replaces serine 46 with threonine.
Molecular consequence: missense variant.
Genome position (GRCh38, 1-based): chr9:12,694,132, T>A. VCF-style: chr9-12694132-T-A. GRCh37 (hg19) VCF-style: chr9-12694132-T-A.
Other names: short protein forms S46T.
Identifiers: ClinVar variation 1063551 (VCV001063551.6), dbSNP rs1275983748, ClinGen allele CA372936237.
Genomic context (GRCh38, chr9:12,694,132, plus strand): 5'-TTCCCAAGACAGTGTGCCACTGTTGAGGCTTTGAGAAGTGGTATGTGTTGCCCAGACCTG[T>A]CCCCTGTGTCTGGGCCTGGGACAGACCGCTGTGGCTCATCATCAGGGAGGGGCAGATGTG-3'
Protein context (NP_000541.1, residues 36-56): LRSGMCCPDL[Ser46Thr]PVSGPGTDRC